The following is an entry in ClinVar:

NM_130384.3(ATRIP):c.637A>G (p.Asn213Asp)

Genes: ATRIP (ATR interacting protein; plus strand), ATRIP-TREX1 (ATRIP-TREX1 readthrough; plus strand). Cytogenetic location: 3p21.31.
Variant type: single nucleotide variant.
Coding change: c.637A>G on transcript NM_130384.3 (MANE Select); coding-DNA position 637, A replaced by G.
Protein change: p.Asn213Asp; replaces asparagine 213 with aspartic acid.
Molecular consequence: missense variant. On other transcripts: non-coding transcript variant (1).
Genome position (GRCh38, 1-based): chr3:48,454,384, A>G. VCF-style: chr3-48454384-A-G. GRCh37 (hg19) VCF-style: chr3-48495784-A-G.
Other names: c.256A>G, p.Asn86Asp (NM_001271022.2); c.358A>G, p.Asn120Asp (NM_001271023.2); c.637A>G, p.Asn213Asp (NM_032166.4); short protein forms N120D, N213D, N86D.
Identifiers: ClinVar variation 3464317 (VCV003464317.1).

ClinVar aggregate classification (germline): Uncertain significance (1 of 4 stars; one submission).

Submission:

Ambry Genetics
Classification: Uncertain significance. Last evaluated: 2024-11-23. Review status: criteria provided, single submitter. Criteria: Ambry Variant Classification Scheme 2023. Collection method: clinical testing. Allele origin: germline.
Comment: The p.N213D variant (also known as c.637A>G), located in coding exon 4 of the ATRIP gene, results from an A to G substitution at nucleotide position 637. The asparagine at codon 213 is replaced by aspartic acid, an amino acid with highly similar properties. This amino acid position is conserved. In addition, this alteration is predicted to be tolerated by in silico analysis. Based on the available evidence, the clinical significance of this variant remains unclear.